The following is an entry in ClinVar:

NM_001378183.1(PIEZO2):c.8159C>A (p.Ser2720Tyr)

Gene: PIEZO2 (piezo type mechanosensitive ion channel component 2; minus strand). Cytogenetic location: 18p11.22.
Variant type: single nucleotide variant.
Coding change: c.8159C>A on transcript NM_001378183.1 (MANE Select); coding-DNA position 8159, C replaced by A.
Protein change: p.Ser2720Tyr; replaces serine 2720 with tyrosine.
Molecular consequence: missense variant.
Genome position (GRCh38, 1-based): chr18:10,675,211, G>T on the plus strand (C>A on the coding strand, the complement: PIEZO2 is on the minus strand). VCF-style: chr18-10675211-G-T. GRCh37 (hg19) VCF-style: chr18-10675208-G-T.
Other names: c.7895C>A, p.Ser2632Tyr (NM_001410871.1); c.7820C>A, p.Ser2607Tyr (NM_022068.4); short protein forms S2632Y, S2607Y, S2720Y.
Identifiers: ClinVar variation 2396407 (VCV002396407.6), dbSNP rs142103035, ClinGen allele CA8891793.

ClinVar aggregate classification (germline): Uncertain significance. Review status: criteria provided, multiple submitters, no conflicts (2 of 4 stars). 4 submissions from 4 submitters: Uncertain significance (4). Last evaluated 2026-03-24.

Conditions:
Inborn genetic diseases. Identifiers: MedGen C0950123, MeSH D030342.

Allele frequency attached by ClinVar (database versions not stated): ExAC 0.00021; gnomAD 0.00037; TOPMed 0.00040; ESP Exome Variant Server 0.00069; gnomAD exomes 0.00084.
gnomAD v4.1: 1,257 of 1,532,710 alleles (0.082%); highest among the groups gnomAD compares: Non-Finnish European, 0.099%; no homozygotes.

Submissions (4):

Women's Health and Genetics/Laboratory Corporation of America, LabCorp
Classification: Uncertain significance. Last evaluated: 2026-03-24. Review status: criteria provided, single submitter. Criteria: LabCorp Variant Classification Summary - May 2015. Collection method: clinical testing. Allele origin: germline.
Comment: Variant summary: PIEZO2 c.7820C>A (p.Ser2607Tyr) results in a non-conservative amino acid change in the encoded protein sequence. Algorithms developed to predict the effect of missense changes on protein structure and function are either unavailable or do not agree on the potential impact of this missense change. Consensus agreement among computation tools predict no significant impact on normal splicing. However, these predictions have yet to be confirmed by functional studies. The variant allele was found at a frequency of 0.00028 in 217976 control chromosomes. This frequency is not significantly higher than estimated for disease-causing variants in PIEZO2, allowing no conclusion about variant significance. To our knowledge, no occurrence of c.7820C>A in individuals affected with PIEZO2-related conditions and no experimental evidence demonstrating its impact on protein function have been reported. ClinVar contains an entry for this variant (Variation ID: 2396407). Based on the evidence outlined above, the variant was classified as uncertain significance.

Labcorp Genetics (formerly Invitae), Labcorp
Classification: Uncertain significance. Last evaluated: 2025-02-23. Review status: criteria provided, single submitter. Criteria: Invitae Variant Classification Sherloc (09022015). Collection method: clinical testing. Allele origin: germline.
Comment: This sequence change replaces serine, which is neutral and polar, with tyrosine, which is neutral and polar, at codon 2607 of the PIEZO2 protein (p.Ser2607Tyr). This variant is present in population databases (rs142103035, gnomAD 0.05%). This variant has not been reported in the literature in individuals affected with PIEZO2-related conditions. ClinVar contains an entry for this variant (Variation ID: 2396407). An algorithm developed to predict the effect of missense changes on protein structure and function (PolyPhen-2) suggests that this variant is likely to be disruptive. In summary, the available evidence is currently insufficient to determine the role of this variant in disease. Therefore, it has been classified as a Variant of Uncertain Significance.

GeneDx
Classification: Uncertain significance. Last evaluated: 2023-07-18. Review status: criteria provided, single submitter. Criteria: GeneDx Variant Classification Process June 2021. Collection method: clinical testing. Allele origin: germline. Affected: yes.
Comment: In silico analysis supports that this missense variant has a deleterious effect on protein structure/function; Has not been previously published as pathogenic or benign to our knowledge

Ambry Genetics
Classification: Uncertain significance for Inborn genetic diseases. Last evaluated: 2021-07-27. Review status: criteria provided, single submitter. Criteria: Ambry Variant Classification Scheme 2023. Collection method: clinical testing. Allele origin: germline.